The following is an entry in ClinVar:

NM_001278716.2(FBXL4):c.91A>G (p.Met31Val)

Gene: FBXL4 (F-box and leucine rich repeat protein 4; minus strand). Cytogenetic location: 6q16.2.
Variant type: single nucleotide variant.
Coding change: c.91A>G on transcript NM_001278716.2 (MANE Select); coding-DNA position 91, A replaced by G.
Protein change: p.Met31Val; replaces methionine 31 with valine.
Molecular consequence: missense variant. On other transcripts: non-coding transcript variant (2).
Genome position (GRCh38, 1-based): chr6:98,926,898, T>C on the plus strand (A>G on the coding strand, the complement: FBXL4 is on the minus strand). VCF-style: chr6-98926898-T-C. GRCh37 (hg19) VCF-style: chr6-99374774-T-C.
Other names: c.91A>G, p.Met31Val (NM_012160.5); short protein forms M31V.
Identifiers: ClinVar variation 437533 (VCV000437533.3), dbSNP rs148934429, ClinGen allele CA3933741.
Genomic context (GRCh38, chr6:98,926,898, plus strand): 5'-CCTCTGCATTGAGAGGGGAAGTCTGGCTGTTTGATTCTATAGCTCTATGGGTGTTCATCA[T>C]TTCTCCTCTTGTAGCTGTCCTGGCTCGGCGCCGAAGGCATATATAATAAAACATGGTCAG-3'
Protein context (NP_001265645.1, residues 21-41): RRARTATRGE[Met31Val]MNTHRAIESN

ClinVar aggregate classification (germline): Uncertain significance. Review status: criteria provided, multiple submitters, no conflicts (2 of 4 stars). 2 submissions from 2 submitters: Uncertain significance (2). Last evaluated 2022-05-16.

Conditions:
Mitochondrial DNA depletion syndrome 13. Also called: FBXL4-Related Encephalomyopathic Mitochondrial DNA Depletion Syndrome; Mitochondrial DNA depletion syndrome 13 (encephalomyopathic type). Identifiers: Orphanet 369897, MedGen C3809592, MONDO:0014198, OMIM 615471.

Allele frequency attached by ClinVar (database versions not stated): TOPMed below 0.00001; gnomAD 0.00003 and 0.00004; gnomAD exomes 0.00003 and 0.00008; ExAC 0.00007; ESP Exome Variant Server 0.00008.
gnomAD v4.1: 59 of 1,614,070 alleles (0.0037%); highest among the groups gnomAD compares: Middle Eastern, 0.016%; no homozygotes.

Submissions (2):

Labcorp Genetics (formerly Invitae), Labcorp
Classification: Uncertain significance. Last evaluated: 2022-05-16. Review status: criteria provided, single submitter. Criteria: Invitae Variant Classification Sherloc (09022015). Collection method: clinical testing. Allele origin: germline.
Comment: This sequence change replaces methionine, which is neutral and non-polar, with valine, which is neutral and non-polar, at codon 31 of the FBXL4 protein (p.Met31Val). This variant is present in population databases (rs148934429, gnomAD 0.04%). This variant has not been reported in the literature in individuals affected with FBXL4-related conditions. ClinVar contains an entry for this variant (Variation ID: 437533). Advanced modeling of protein sequence and biophysical properties (such as structural, functional, and spatial information, amino acid conservation, physicochemical variation, residue mobility, and thermodynamic stability) performed at Invitae indicates that this missense variant is not expected to disrupt FBXL4 protein function. In summary, the available evidence is currently insufficient to determine the role of this variant in disease. Therefore, it has been classified as a Variant of Uncertain Significance.

Wong Mito Lab, Molecular and Human Genetics, Baylor College of Medicine
Classification: Uncertain significance for Mitochondrial DNA depletion syndrome 13. Last evaluated: 2017-08-10. Review status: criteria provided, single submitter. Criteria: ACMG Guidelines, 2015. Collection method: reference population. Allele origin: germline.
Comment: The NM_012160.4:c.91A>G (NP_036292.2:p.Met31Val) [GRCH38: NC_000006.12:g.98926898T>C] variant in FBXL4 gene is interpretated to be a Uncertain Significance - Conflicting Evidence based on ACMG guidelines (PMID: 25741868). This variant meets one or more of the following evidence codes reported in the ACMG-guideline. PM2:This variant is absent in key population databases. BP4:Computational evidence/predictors indicate no impact on the FBXL4 structure, function, or protein-protein interaction. Based on this evidence code ClinGen Pathogenicity Calculator (PMID:28081714) suggested that the variant is Uncertain Significance - Conflicting Evidence.